The following is an entry in ClinVar:

NM_000059.4(BRCA2):c.-9T>A

Gene: BRCA2 (BRCA2 DNA repair associated; plus strand). Cytogenetic location: 13q13.1.
Variant type: single nucleotide variant.
Coding change: c.-9T>A on transcript NM_000059.4 (MANE Select); 9 bases upstream of the start codon, T replaced by A.
Molecular consequence: 5 prime UTR variant. On other transcripts: non-coding transcript variant (1), intron variant (1).
Genome position (GRCh38, 1-based): chr13:32,316,452, T>A. VCF-style: chr13-32316452-T-A. GRCh37 (hg19) VCF-style: chr13-32890589-T-A.
Other names: c.-9T>A (NM_001406719.1, NM_001406720.1, NM_001406721.1); c.-303+785T>A (NM_001406722.1).
Identifiers: ClinVar variation 2782578 (VCV002782578.3), dbSNP rs276174802, ClinGen allele CA2727418816.

ClinVar aggregate classification (germline): Uncertain significance (1 of 4 stars; one submission).

Conditions:
Hereditary breast ovarian cancer syndrome. Also called: Hereditary breast and ovarian cancer syndrome; Hereditary breast and ovarian cancer syndrome (HBOC); Hereditary breast and/or ovarian cancer syndrome; Breast and ovarian cancer; Hereditary breast and ovarian cancer; BRCA1- and BRCA2-Associated Hereditary Breast and Ovarian Cancer. Identifiers: Orphanet 145, MedGen C0677776, MeSH D061325, MONDO:0003582. Disease mechanism: loss of function.

Submission:

Labcorp Genetics (formerly Invitae), Labcorp
Classification: Uncertain significance for Hereditary breast ovarian cancer syndrome. Last evaluated: 2024-01-09. Review status: criteria provided, single submitter. Criteria: Invitae Variant Classification Sherloc (09022015). Collection method: clinical testing. Allele origin: germline.
Comment: This variant occurs in a non-coding region of the BRCA2 gene. It does not change the encoded amino acid sequence of the BRCA2 protein. This variant is not present in population databases (gnomAD no frequency). This variant has not been reported in the literature in individuals affected with BRCA2-related conditions. Experimental studies and prediction algorithms are not available or were not evaluated, and the functional significance of this variant is currently unknown. In summary, the available evidence is currently insufficient to determine the role of this variant in disease. Therefore, it has been classified as a Variant of Uncertain Significance.